The following is an entry in ClinVar:

NM_152866.3(MS4A1):c.676-3T>C

Gene: MS4A1 (membrane spanning 4-domains A1; plus strand). Cytogenetic location: 11q12.2.
Variant type: single nucleotide variant.
Coding change: c.676-3T>C on transcript NM_152866.3 (MANE Select); 3 bases into the intron before coding-DNA position 676, T replaced by C.
Molecular consequence: intron variant.
Genome position (GRCh38, 1-based): chr11:60,468,247, T>C. VCF-style: chr11-60468247-T-C. GRCh37 (hg19) VCF-style: chr11-60235720-T-C.
Other names: c.676-3T>C (NM_152867.2, NM_021950.4).
Identifiers: ClinVar variation 2085826 (VCV002085826.4), dbSNP rs2495418162, ClinGen allele CA2580084341.

ClinVar aggregate classification (germline): Uncertain significance (1 of 4 stars; one submission).

Submission:

Labcorp Genetics (formerly Invitae), Labcorp
Classification: Uncertain significance. Last evaluated: 2022-02-24. Review status: criteria provided, single submitter. Criteria: Invitae Variant Classification Sherloc (09022015). Collection method: clinical testing. Allele origin: germline.
Comment: In summary, the available evidence is currently insufficient to determine the role of this variant in disease. Therefore, it has been classified as a Variant of Uncertain Significance. Variants that disrupt the consensus splice site are a relatively common cause of aberrant splicing (PMID: 17576681, 9536098). Algorithms developed to predict the effect of sequence changes on RNA splicing suggest that this variant is not likely to affect RNA splicing. This variant has not been reported in the literature in individuals affected with MS4A1-related conditions. This variant is not present in population databases (gnomAD no frequency). This sequence change falls in intron 7 of the MS4A1 gene. It does not directly change the encoded amino acid sequence of the MS4A1 protein. It affects a nucleotide within the consensus splice site.

Literature cited by the submitters: PubMed 17576681; PubMed 9536098.